The following is an entry in ClinVar:

ClinVar aggregate classification (germline): Benign/Likely benign. Review status: criteria provided, multiple submitters, no conflicts (2 of 4 stars). 3 submissions from 3 submitters: Benign (2); Likely benign (1). Last evaluated 2024-11-27.

Allele frequency attached by ClinVar (database versions not stated): gnomAD exomes 0.10711; 1000 Genomes Project 30x 0.13554; ExAC 0.36898.

Submissions (3):

Blueprint Genetics
Classification: Likely benign. Last evaluated: 2024-11-27. Review status: criteria provided, single submitter. Criteria: ACMG Guidelines, 2015. Collection method: clinical testing. Allele origin: germline.

Mayo Clinic Laboratories, Mayo Clinic
Classification: Benign. Last evaluated: 2022-03-17. Review status: criteria provided, single submitter. Criteria: ACMG Guidelines, 2015. Collection method: clinical testing. Allele origin: germline. Observed: 717 variant alleles.
Comment: BA1

GeneDx
Classification: Benign. Last evaluated: 2019-08-10. Review status: criteria provided, single submitter. Criteria: GeneDx Variant Classification Process June 2021. Collection method: clinical testing. Allele origin: germline. Affected: yes.

NM_001365276.2(TNXB):c.11962C>A (p.Leu3988Ile)

Genes: TNXB (tenascin XB; minus strand), LOC106780803 (tenascin XB recombination region; plus strand). Cytogenetic location: 6p21.33.
Variant type: single nucleotide variant.
Coding change: c.11962C>A on transcript NM_001365276.2 (MANE Select); coding-DNA position 11962, C replaced by A.
Protein change: p.Leu3988Ile; replaces leucine 3988 with isoleucine.
Molecular consequence: missense variant.
Genome position (GRCh38, 1-based): chr6:32,042,795, G>T on the plus strand (C>A on the coding strand, the complement: TNXB is on the minus strand). VCF-style: chr6-32042795-G-T. GRCh37 (hg19) VCF-style: chr6-32010572-G-T.
Other names: p.Leu3986Ile; c.11956C>A, p.Leu3986Ile (NM_019105.8); c.1249C>A, p.Leu417Ile (NM_032470.4); short protein forms L3986I, L3988I, L417I.
Identifiers: ClinVar variation 1269745 (VCV001269745.3), dbSNP rs7742632, ClinGen allele CA3732912.